The following is an entry in ClinVar:

ClinVar aggregate classification (germline): Conflicting classifications of pathogenicity. Review status: criteria provided, conflicting classifications (1 of 4 stars). 3 submissions from 3 submitters: Uncertain significance (1); Likely benign (1). 1 of the submissions does not count toward it. Last evaluated 2023-01-31.

Conditions:
PLXNA2-related disorder. Also called: PLXNA2-related condition.

Allele frequency attached by ClinVar (database versions not stated): TOPMed 0.00004; gnomAD 0.00005 and 0.00006; gnomAD exomes 0.00006 and 0.00010; ExAC 0.00009.
gnomAD v4.1: 91 of 1,614,080 alleles (0.0056%); highest among the groups gnomAD compares: Non-Finnish European, 0.001%; 1 homozygote.

Submissions (3):

Ambry Genetics
Classification: Uncertain significance. Last evaluated: 2023-01-31. Review status: criteria provided, single submitter. Criteria: Ambry Variant Classification Scheme 2023. Collection method: clinical testing. Allele origin: germline.

Labcorp Genetics (formerly Invitae), Labcorp
Classification: Likely benign. Last evaluated: 2019-12-31. Review status: criteria provided, single submitter. Criteria: Invitae Variant Classification Sherloc (09022015). Collection method: clinical testing. Allele origin: germline.

PreventionGenetics, part of Exact Sciences
Classification: Likely benign for PLXNA2-related condition. Last evaluated: 2023-06-23. Review status: no assertion criteria provided. Collection method: clinical testing. Allele origin: germline. Not counted in ClinVar's aggregate classification.
Comment: This variant is classified as likely benign based on ACMG/AMP sequence variant interpretation guidelines (Richards et al. 2015 PMID: 25741868, with internal and published modifications).

NM_025179.4(PLXNA2):c.289C>G (p.Pro97Ala)

Gene: PLXNA2 (plexin A2; minus strand). Cytogenetic location: 1q32.2.
Variant type: single nucleotide variant.
Coding change: c.289C>G on transcript NM_025179.4 (MANE Select); coding-DNA position 289, C replaced by G.
Protein change: p.Pro97Ala; replaces proline 97 with alanine.
Molecular consequence: missense variant.
Genome position (GRCh38, 1-based): chr1:208,217,634, G>C on the plus strand (C>G on the coding strand, the complement: PLXNA2 is on the minus strand). VCF-style: chr1-208217634-G-C. GRCh37 (hg19) VCF-style: chr1-208390979-G-C.
Other names: short protein forms P97A.
Identifiers: ClinVar variation 757533 (VCV000757533.8), dbSNP rs143885355, ClinGen allele CA1374096.